The following is an entry in ClinVar:

ClinVar aggregate classification (germline): Uncertain significance. Review status: criteria provided, multiple submitters, no conflicts (2 of 4 stars). 2 submissions from 2 submitters: Uncertain significance (2). Last evaluated 2025-12-09.

Allele frequency attached by ClinVar (database versions not stated): gnomAD exomes 0.00004 and 0.00006; gnomAD 0.00007 and 0.00009; ExAC 0.00009; TOPMed 0.00009; ESP Exome Variant Server 0.00015; 1000 Genomes Project 0.00020; 1000 Genomes Project 30x 0.00031.
gnomAD v4.1: 66 of 1,607,380 alleles (0.0041%); highest among the groups gnomAD compares: Middle Eastern, 0.033%; no homozygotes.

Submissions (2):

Labcorp Genetics (formerly Invitae), Labcorp
Classification: Uncertain significance. Last evaluated: 2025-12-09. Review status: criteria provided, single submitter. Criteria: Invitae Variant Classification Sherloc (09022015). Collection method: clinical testing. Allele origin: germline.
Comment: This sequence change replaces valine, which is neutral and non-polar, with isoleucine, which is neutral and non-polar, at codon 93 of the TNFRSF6B protein (p.Val93Ile). This variant is present in population databases (rs185771249, gnomAD 0.02%). This variant has not been reported in the literature in individuals affected with TNFRSF6B-related conditions. ClinVar contains an entry for this variant (Variation ID: 1469663). An algorithm developed to predict the effect of missense changes on protein structure and function outputs the following: PolyPhen-2: "Benign". The isoleucine amino acid residue is found in multiple mammalian species, which suggests that this missense change does not adversely affect protein function. In summary, the available evidence is currently insufficient to determine the role of this variant in disease. Therefore, it has been classified as a Variant of Uncertain Significance.

Ambry Genetics
Classification: Uncertain significance. Last evaluated: 2022-12-21. Review status: criteria provided, single submitter. Criteria: Ambry Variant Classification Scheme 2023. Collection method: clinical testing. Allele origin: germline.

NM_003823.4(TNFRSF6B):c.277G>A (p.Val93Ile)

Genes: RTEL1-TNFRSF6B (RTEL1-TNFRSF6B readthrough (NMD candidate); plus strand), TNFRSF6B (TNF receptor superfamily member 6b; plus strand). Cytogenetic location: 20q13.33.
Variant type: single nucleotide variant.
Coding change: c.277G>A on transcript NM_003823.4 (MANE Select); coding-DNA position 277, G replaced by A.
Protein change: p.Val93Ile; replaces valine 93 with isoleucine.
Molecular consequence: missense variant. On other transcripts: non-coding transcript variant (1).
Genome position (GRCh38, 1-based): chr20:63,697,044, G>A. VCF-style: chr20-63697044-G-A. GRCh37 (hg19) VCF-style: chr20-62328397-G-A.
Other names: c.277G>A (NM_003823.3); short protein forms V93I.
Identifiers: ClinVar variation 1469663 (VCV001469663.7), dbSNP rs185771249, ClinGen allele CA9966391.